The following is an entry in ClinVar:

ClinVar aggregate classification (germline): Uncertain significance. Review status: criteria provided, multiple submitters, no conflicts (2 of 4 stars). 3 submissions from 3 submitters: Uncertain significance (3). Last evaluated 2023-04-11.

Conditions:
Inborn genetic diseases. Identifiers: MedGen C0950123, MeSH D030342.
Congenital sensory neuropathy with selective loss of small myelinated fibers (HSAN5). Also called: HSAN Type V. Identifiers: Orphanet 64752, MedGen C0020075, MONDO:0012092, OMIM 608654.

Allele frequency attached by ClinVar (database versions not stated): gnomAD exomes 0.00002; ExAC 0.00006; gnomAD 0.00006; TOPMed 0.00006; ESP Exome Variant Server 0.00008.
gnomAD v4.1: 35 of 1,614,092 alleles (0.0022%); highest among the groups gnomAD compares: African/African-American, 0.016%; no homozygotes.

Submissions (3):

Genome-Nilou Lab
Classification: Uncertain significance for Congenital sensory neuropathy with selective loss of small myelinated fibers. Last evaluated: 2023-04-11. Review status: criteria provided, single submitter. Criteria: ACMG Guidelines, 2015. Collection method: clinical testing. Allele origin: germline. Affected: no.

Labcorp Genetics (formerly Invitae), Labcorp
Classification: Uncertain significance for Congenital sensory neuropathy with selective loss of small myelinated fibers. Last evaluated: 2022-04-08. Review status: criteria provided, single submitter. Criteria: Invitae Variant Classification Sherloc (09022015). Collection method: clinical testing. Allele origin: germline.
Comment: This sequence change replaces arginine, which is basic and polar, with histidine, which is basic and polar, at codon 68 of the NGF protein (p.Arg68His). This variant is present in population databases (rs377253859, gnomAD 0.03%). This variant has not been reported in the literature in individuals affected with NGF-related conditions. Algorithms developed to predict the effect of missense changes on protein structure and function output the following: SIFT: "Tolerated"; PolyPhen-2: "Benign"; Align-GVGD: "Class C0". The histidine amino acid residue is found in multiple mammalian species, which suggests that this missense change does not adversely affect protein function. In summary, the available evidence is currently insufficient to determine the role of this variant in disease. Therefore, it has been classified as a Variant of Uncertain Significance.

Ambry Genetics
Classification: Uncertain significance for Inborn genetic diseases. Last evaluated: 2021-06-23. Review status: criteria provided, single submitter. Criteria: Ambry Variant Classification Scheme 2023. Collection method: clinical testing. Allele origin: germline.
Comment: The p.R68H variant (also known as c.203G>A), located in coding exon 1 of the NGF gene, results from a G to A substitution at nucleotide position 203. The arginine at codon 68 is replaced by histidine, an amino acid with highly similar properties. This amino acid position is not well conserved in available vertebrate species, and histidine is the reference amino acid in other vertebrate species. In addition, this alteration is predicted to be tolerated by in silico analysis. Since supporting evidence is limited at this time, the clinical significance of this alteration remains unclear.

NM_002506.3(NGF):c.203G>A (p.Arg68His)

Genes: NGF-AS1 (NGF antisense RNA 1; plus strand), NGF (nerve growth factor; minus strand). Cytogenetic location: 1p13.2.
Variant type: single nucleotide variant.
Coding change: c.203G>A on transcript NM_002506.3 (MANE Select); coding-DNA position 203, G replaced by A.
Protein change: p.Arg68His; replaces arginine 68 with histidine.
Molecular consequence: missense variant.
Genome position (GRCh38, 1-based): chr1:115,286,593, C>T on the plus strand (G>A on the coding strand, the complement: NGF is on the minus strand). VCF-style: chr1-115286593-C-T. GRCh37 (hg19) VCF-style: chr1-115829214-C-T.
Other names: short protein forms R68H.
Identifiers: ClinVar variation 1784880 (VCV001784880.5), dbSNP rs377253859, ClinGen allele CA1023027.
Genomic context (GRCh38, chr1:115,286,593, plus strand): 5'-AGCACACGGGGTGAACGGAGTCGCCGCTTTTTAAACAGCCTGGGGTCCACAGTAATGTTG[C>T]GGGTCTGCCCCGCCACGCGTGCAGCTATCGCCGCTGCCGGGGCGCTGCGGGCTCTGCGAA-3'
Protein context (NP_002497.2, residues 58-78): AIAARVAGQT[Arg68His]NITVDPRLFK